The following is an entry in ClinVar:

NM_001032386.2(SUOX):c.1501C>A (p.Gln501Lys)

Gene: SUOX (sulfite oxidase; plus strand). Cytogenetic location: 12q13.2.
Variant type: single nucleotide variant.
Coding change: c.1501C>A on transcript NM_001032386.2 (MANE Select); coding-DNA position 1501, C replaced by A.
Protein change: p.Gln501Lys; replaces glutamine 501 with lysine.
Molecular consequence: missense variant.
Genome position (GRCh38, 1-based): chr12:56,004,890, C>A. VCF-style: chr12-56004890-C-A. GRCh37 (hg19) VCF-style: chr12-56398674-C-A.
Other names: c.1501C>A, p.Gln501Lys (NM_000456.3, NM_001032387.2); short protein forms Q501K.
Identifiers: ClinVar variation 1039405 (VCV001039405.7), dbSNP rs755326287, ClinGen allele CA385297474.
Genomic context (GRCh38, chr12:56,004,890, plus strand): 5'-CGCCCCAGGAAGGCCTGGGCATGGCGTCTGTGGCAGTTGAAAGCCCCTGTGCCAGCTGGA[C>A]AAAAGGAACTGAACATTGTTTGTAAGGCTGTGGATGATGGTTACAATGTGCAGCCAGACA-3'
Protein context (NP_001027558.1, residues 491-511): WQLKAPVPAG[Gln501Lys]KELNIVCKAV

ClinVar aggregate classification (germline): Uncertain significance (1 of 4 stars; one submission).

Conditions:
Sulfite oxidase deficiency. Also called: Isolated sulfite oxidase deficiency. Identifiers: Orphanet 833, Orphanet 99731, MedGen C0268624, MONDO:0010089, OMIM 272300, HP:0003643.

Allele frequency attached by ClinVar (database versions not stated): TOPMed 0.00006.
gnomAD v4.1: 4 of 1,614,082 alleles (0.00025%); highest among the groups gnomAD compares: East Asian, 0.0089%; no homozygotes.

Submission:

Labcorp Genetics (formerly Invitae), Labcorp
Classification: Uncertain significance for Sulfite oxidase deficiency. Last evaluated: 2022-08-15. Review status: criteria provided, single submitter. Criteria: Invitae Variant Classification Sherloc (09022015). Collection method: clinical testing. Allele origin: germline.
Comment: This sequence change replaces glutamine, which is neutral and polar, with lysine, which is basic and polar, at codon 501 of the SUOX protein (p.Gln501Lys). This variant is present in population databases (no rsID available, gnomAD 0.02%). This variant has not been reported in the literature in individuals affected with SUOX-related conditions. ClinVar contains an entry for this variant (Variation ID: 1039405). Algorithms developed to predict the effect of missense changes on protein structure and function output the following: SIFT: "Tolerated"; PolyPhen-2: "Benign"; Align-GVGD: "Class C0". The lysine amino acid residue is found in multiple mammalian species, which suggests that this missense change does not adversely affect protein function. In summary, the available evidence is currently insufficient to determine the role of this variant in disease. Therefore, it has been classified as a Variant of Uncertain Significance.